The following is an entry in ClinVar:

ClinVar aggregate classification (germline): Uncertain significance (1 of 4 stars; one submission).

Conditions:
Tuberous sclerosis 2 (TSC2). Identifiers: Orphanet 805, MedGen C1860707, MONDO:0013199, OMIM 613254.

Submission:

Labcorp Genetics (formerly Invitae), Labcorp
Classification: Uncertain significance for Tuberous sclerosis 2. Last evaluated: 2023-10-10. Review status: criteria provided, single submitter. Criteria: Invitae Variant Classification Sherloc (09022015). Collection method: clinical testing. Allele origin: germline.
Comment: This sequence change replaces aspartic acid, which is acidic and polar, with glutamic acid, which is acidic and polar, at codon 925 of the TSC2 protein (p.Asp925Glu). This variant is not present in population databases (gnomAD no frequency). This variant has not been reported in the literature in individuals affected with TSC2-related conditions. Advanced modeling of protein sequence and biophysical properties (such as structural, functional, and spatial information, amino acid conservation, physicochemical variation, residue mobility, and thermodynamic stability) performed at Invitae indicates that this missense variant is not expected to disrupt TSC2 protein function. RNA analysis performed to evaluate the impact of this missense change on mRNA splicing indicates it does not significantly alter splicing (Invitae). In summary, the available evidence is currently insufficient to determine the role of this variant in disease. Therefore, it has been classified as a Variant of Uncertain Significance.

NM_000548.5(TSC2):c.2775T>A (p.Asp925Glu)

Gene: TSC2 (TSC complex subunit 2; plus strand). Cytogenetic location: 16p13.3.
Variant type: single nucleotide variant.
Coding change: c.2775T>A on transcript NM_000548.5 (MANE Select); coding-DNA position 2775, T replaced by A.
Protein change: p.Asp925Glu; replaces aspartic acid 925 with glutamic acid.
Molecular consequence: missense variant. On other transcripts: non-coding transcript variant (5).
Genome position (GRCh38, 1-based): chr16:2,076,523, T>A. VCF-style: chr16-2076523-T-A. GRCh37 (hg19) VCF-style: chr16-2126524-T-A.
Other names: c.2775T>A, p.Asp925Glu (NM_001406665.1, NM_001077183.3, NM_001114382.3 and 6 more transcripts); c.2865T>A, p.Asp955Glu (NM_001406667.1, NM_001406668.1); c.2664T>A, p.Asp888Glu (NM_001406670.1, NM_001406678.1, NM_001318827.2); c.2763T>A, p.Asp921Glu (NM_001406671.1, NM_001406673.1); c.2628T>A, p.Asp876Glu (NM_001406675.1, NM_001406676.1, NM_001318829.2 and 1 more transcripts); c.2718T>A, p.Asp906Glu (NM_001406677.1); c.2175T>A, p.Asp725Glu (NM_001406688.1, NM_001318831.2, NM_001406680.1 and 6 more transcripts); c.1431T>A, p.Asp477Glu (NM_001406689.1, NM_001406690.1, NM_001406691.1 and 6 more transcripts); and 3 more; short protein forms D771E, D888E, D921E, D391E, D876E, D906E, D936E, D955E.
Identifiers: ClinVar variation 2767426 (VCV002767426.3), dbSNP rs1596369419, ClinGen allele CA394279906.